The following is an entry in ClinVar:

ClinVar aggregate classification (germline): Uncertain significance (1 of 4 stars; one submission).

gnomAD v4.1: 2 of 1,613,820 alleles (0.00012%); highest among the groups gnomAD compares: Admixed American, 0.0017%; no homozygotes.

Submission:

Labcorp Genetics (formerly Invitae), Labcorp
Classification: Uncertain significance. Last evaluated: 2025-11-03. Review status: criteria provided, single submitter. Criteria: Invitae Variant Classification Sherloc (09022015). Collection method: clinical testing. Allele origin: germline.
Comment: This sequence change replaces leucine, which is neutral and non-polar, with valine, which is neutral and non-polar, at codon 524 of the RFWD3 protein (p.Leu524Val). This variant is not present in population databases (gnomAD no frequency). This variant has not been reported in the literature in individuals affected with RFWD3-related conditions. An algorithm developed to predict the effect of missense changes on protein structure and function (PolyPhen-2) suggests that this variant is likely to be disruptive. In summary, the available evidence is currently insufficient to determine the role of this variant in disease. Therefore, it has been classified as a Variant of Uncertain Significance.

NM_018124.4(RFWD3):c.1570C>G (p.Leu524Val)

Gene: RFWD3 (ring finger and WD repeat domain 3; minus strand). Cytogenetic location: 16q23.1.
Variant type: single nucleotide variant.
Coding change: c.1570C>G on transcript NM_018124.4 (MANE Select); coding-DNA position 1570, C replaced by G.
Protein change: p.Leu524Val; replaces leucine 524 with valine.
Molecular consequence: missense variant.
Genome position (GRCh38, 1-based): chr16:74,632,530, G>C on the plus strand (C>G on the coding strand, the complement: RFWD3 is on the minus strand). VCF-style: chr16-74632530-G-C. GRCh37 (hg19) VCF-style: chr16-74666428-G-C.
Other names: c.1570C>G, p.Leu524Val (NM_001370534.1, NM_001370535.1, NM_001370536.1); c.736C>G, p.Leu246Val (NM_001370537.1, NM_001370539.1, NM_001370540.1 and 2 more transcripts); short protein forms L246V, L524V.
Identifiers: ClinVar variation 4806096 (VCV004806096.1).